The following is an entry in ClinVar:

ClinVar aggregate classification (germline): Uncertain significance (1 of 4 stars; one submission).

Conditions:
Peroxisome biogenesis disorder. Identifiers: Orphanet 79189, MedGen C1832200, MONDO:0019234. Disease mechanism: loss of function.

Submission:

Labcorp Genetics (formerly Invitae), Labcorp
Classification: Uncertain significance for Peroxisome biogenesis disorder. Last evaluated: 2022-04-29. Review status: criteria provided, single submitter. Criteria: Invitae Variant Classification Sherloc (09022015). Collection method: clinical testing. Allele origin: germline.
Comment: This sequence change replaces arginine, which is basic and polar, with leucine, which is neutral and non-polar, at codon 519 of the PEX6 protein (p.Arg519Leu). This variant is not present in population databases (gnomAD no frequency). This variant has not been reported in the literature in individuals affected with PEX6-related conditions. Algorithms developed to predict the effect of missense changes on protein structure and function (SIFT, PolyPhen-2, Align-GVGD) all suggest that this variant is likely to be tolerated. In summary, the available evidence is currently insufficient to determine the role of this variant in disease. Therefore, it has been classified as a Variant of Uncertain Significance.

NM_000287.4(PEX6):c.1556G>T (p.Arg519Leu)

Gene: PEX6 (peroxisomal biogenesis factor 6; minus strand). Cytogenetic location: 6p21.1.
Variant type: single nucleotide variant.
Coding change: c.1556G>T on transcript NM_000287.4 (MANE Select); coding-DNA position 1556, G replaced by T.
Protein change: p.Arg519Leu; replaces arginine 519 with leucine.
Molecular consequence: missense variant. On other transcripts: non-coding transcript variant (1).
Genome position (GRCh38, 1-based): chr6:42,968,422, C>A on the plus strand (G>T on the coding strand, the complement: PEX6 is on the minus strand). VCF-style: chr6-42968422-C-A. GRCh37 (hg19) VCF-style: chr6-42936160-C-A.
Other names: c.1292G>T, p.Arg431Leu (NM_001316313.2); short protein forms R519L, R431L.
Identifiers: ClinVar variation 2140797 (VCV002140797.1), dbSNP rs368356719, ClinGen allele CA364154415.